The following is an entry in ClinVar:

NM_002894.3(RBBP8):c.2144-2A>G

Gene: RBBP8 (RB binding protein 8, endonuclease; plus strand). Cytogenetic location: 18q11.2.
Variant type: single nucleotide variant.
Coding change: c.2144-2A>G on transcript NM_002894.3 (MANE Select); the canonical splice acceptor site of the intron before coding-DNA position 2144, A replaced by G.
Molecular consequence: splice acceptor variant.
Genome position (GRCh38, 1-based): chr18:23,001,584, A>G. VCF-style: chr18-23001584-A-G. GRCh37 (hg19) VCF-style: chr18-20581547-A-G.
Other names: c.2144-2A>G (NM_203292.2, NM_203291.2).
Identifiers: ClinVar variation 3233656 (VCV003233656.2), dbSNP rs1478976079, ClinGen allele CA401781509.

ClinVar aggregate classification (germline): Uncertain significance (1 of 4 stars; one submission).

Submission:

Women's Health and Genetics/Laboratory Corporation of America, LabCorp
Classification: Uncertain significance. Last evaluated: 2024-03-05. Review status: criteria provided, single submitter. Criteria: LabCorp Variant Classification Summary - May 2015. Collection method: clinical testing. Allele origin: germline.
Comment: Variant summary: RBBP8 c.2144-2A>G is located in a canonical splice-site and is predicted to affect mRNA splicing resulting in a significantly altered protein due to either exon skipping, shortening, or inclusion of intronic material. Several computational tools predict a significant impact on normal splicing: Four predict the variant abolishes a 3' acceptor site. However, these predictions have yet to be confirmed by functional studies. The variant was absent in 251154 control chromosomes. The available data on variant occurrences in the general population are insufficient to allow any conclusion about variant significance. To our knowledge, no occurrence of c.2144-2A>G in individuals affected with RBBP8-Related Disorders and no experimental evidence demonstrating its impact on protein function have been reported. No submitters have cited clinical-significance assessments for this variant to ClinVar. Based on the evidence outlined above, the variant was classified as uncertain significance.